The following is an entry in ClinVar:

NM_000808.4(GABRA3):c.830A>G (p.Tyr277Cys)

Gene: GABRA3 (gamma-aminobutyric acid type A receptor subunit alpha3; minus strand). Cytogenetic location: Xq28.
Variant type: single nucleotide variant.
Coding change: c.830A>G on transcript NM_000808.4 (MANE Select); coding-DNA position 830, A replaced by G.
Protein change: p.Tyr277Cys; replaces tyrosine 277 with cysteine.
Molecular consequence: missense variant.
Genome position (GRCh38, 1-based): chrX:152,197,734, T>C on the plus strand (A>G on the coding strand, the complement: GABRA3 is on the minus strand). VCF-style: chrX-152197734-T-C. GRCh37 (hg19) VCF-style: chrX-151366206-T-C.
Other names: short protein forms Y277C.
Identifiers: ClinVar variation 2576557 (VCV002576557.4), dbSNP rs2521596611, ClinGen allele CA415279756.

ClinVar aggregate classification (germline): Likely pathogenic (1 of 4 stars; one submission).

Conditions:
Epilepsy, X-linked 2, with or without impaired intellectual development and dysmorphic features (EPILX2). Identifiers: MedGen C5774178, MONDO:0859564, OMIM 301091.

Submission:

Institute of Human Genetics, University of Leipzig Medical Center
Classification: Likely pathogenic for Epilepsy, X-linked 2, with or without impaired intellectual development and dysmorphic features. Last evaluated: 2023-07-19. Review status: criteria provided, single submitter. Criteria: ACMG Guidelines, 2015. Collection method: clinical testing. Allele origin: de novo. Inheritance: Autosomal dominant inheritance. Affected: yes.
Comment: Criteria applied: PM2_SUP,PP3,PS2_MOD,PS3_MOD